The following is an entry in ClinVar:

NM_001164508.2(NEB):c.5558A>C (p.Gln1853Pro)

Gene: NEB (nebulin; minus strand). Cytogenetic location: 2q23.3.
Variant type: single nucleotide variant.
Coding change: c.5558A>C on transcript NM_001164508.2 (MANE Select); coding-DNA position 5558, A replaced by C.
Protein change: p.Gln1853Pro; replaces glutamine 1853 with proline.
Molecular consequence: missense variant.
Genome position (GRCh38, 1-based): chr2:151,663,753, T>G on the plus strand (A>C on the coding strand, the complement: NEB is on the minus strand). VCF-style: chr2-151663753-T-G. GRCh37 (hg19) VCF-style: chr2-152520267-T-G.
Other names: c.5558A>C, p.Gln1853Pro (NM_001164507.2, NM_001271208.2, NM_004543.5); short protein forms Q1853P.
Identifiers: ClinVar variation 1479633 (VCV001479633.8), dbSNP rs748760784, ClinGen allele CA1910340.

ClinVar aggregate classification (germline): Uncertain significance (1 of 4 stars; one submission).

Conditions:
Nemaline myopathy 2 (NEM2). Also called: Nemaline myopathy 2, autosomal recessive. Identifiers: MedGen C1850569, MONDO:0009725, OMIM 256030.

Allele frequency attached by ClinVar (database versions not stated): gnomAD exomes below 0.00001; ExAC 0.00001.
gnomAD v4.1: 2 of 1,613,842 alleles (0.00012%); highest among the groups gnomAD compares: Admixed American, 0.0017%; no homozygotes.

Submission:

Labcorp Genetics (formerly Invitae), Labcorp
Classification: Uncertain significance for Nemaline myopathy 2. Last evaluated: 2022-09-01. Review status: criteria provided, single submitter. Criteria: Invitae Variant Classification Sherloc (09022015). Collection method: clinical testing. Allele origin: germline.
Comment: ClinVar contains an entry for this variant (Variation ID: 1479633). This variant has not been reported in the literature in individuals affected with NEB-related conditions. This variant is present in population databases (rs748760784, gnomAD 0.003%). This sequence change replaces glutamine, which is neutral and polar, with proline, which is neutral and non-polar, at codon 1853 of the NEB protein (p.Gln1853Pro). Algorithms developed to predict the effect of missense changes on protein structure and function are either unavailable or do not agree on the potential impact of this missense change (SIFT: "Deleterious"; PolyPhen-2: "Not Available"; Align-GVGD: "Class C0"). In summary, the available evidence is currently insufficient to determine the role of this variant in disease. Therefore, it has been classified as a Variant of Uncertain Significance.